The following is an entry in ClinVar:

ClinVar aggregate classification (germline): Conflicting classifications of pathogenicity. Review status: criteria provided, conflicting classifications (1 of 4 stars). 2 submissions from 2 submitters: Uncertain significance (1); Likely benign (1). Last evaluated 2025-07-21.

Conditions:
Malignant hyperthermia, susceptibility to, 5 (MHS5). Also called: CACNA1S-Related Malignant Hyperthermia Susceptibility. Identifiers: Orphanet 423, MedGen C1866077, MONDO:0011163, OMIM 601887.
Hypokalemic periodic paralysis, type 1. Also called: HypoPP; Hypokalemic Periodic Paralysis Type 1 (AD). Identifiers: Orphanet 681, MedGen C3714580, MONDO:0042979, OMIM 170400.

gnomAD v4.1: 13 of 1,614,094 alleles (0.00081%); highest among the groups gnomAD compares: South Asian, 0.014%; no homozygotes.

Submissions (2):

Labcorp Genetics (formerly Invitae), Labcorp
Classification: Likely benign for Hypokalemic periodic paralysis, type 1; Malignant hyperthermia, susceptibility to, 5. Last evaluated: 2025-07-21. Review status: criteria provided, single submitter. Criteria: Invitae Variant Classification Sherloc (09022015). Collection method: clinical testing. Allele origin: germline.

All of Us Research Program, National Institutes of Health
Classification: Uncertain significance for Malignant hyperthermia, susceptibility to, 5. Last evaluated: 2023-11-30. Review status: criteria provided, single submitter. Criteria: ACMG Guidelines, 2015. Collection method: clinical testing. Allele origin: germline. Inheritance: Autosomal dominant inheritance. Observed: 1 variant allele, 1 heterozygote.
Comment: This study involves interpretation of variants in research participants for the purpose of population health screening. Participant phenotype was not available at the time of variant classification. Additional details can be found in publication PMID: 35346344, PMCID: PMC8962531

NM_000069.3(CACNA1S):c.3542C>G (p.Pro1181Arg)

Gene: CACNA1S (calcium voltage-gated channel subunit alpha1 S; minus strand). Cytogenetic location: 1q32.1.
Variant type: single nucleotide variant.
Coding change: c.3542C>G on transcript NM_000069.3 (MANE Select); coding-DNA position 3542, C replaced by G.
Protein change: p.Pro1181Arg; replaces proline 1181 with arginine.
Molecular consequence: missense variant.
Genome position (GRCh38, 1-based): chr1:201,058,475, G>C on the plus strand (C>G on the coding strand, the complement: CACNA1S is on the minus strand). VCF-style: chr1-201058475-G-C. GRCh37 (hg19) VCF-style: chr1-201027603-G-C.
Other names: short protein forms P1181R.
Identifiers: ClinVar variation 3073898 (VCV003073898.2), dbSNP rs144935943, ClinGen allele CA082619.